The following is an entry in ClinVar:

ClinVar aggregate classification (germline): Uncertain significance (1 of 4 stars; one submission).

Conditions:
Cardiovascular phenotype. Identifiers: MedGen CN230736.

gnomAD v4.1: 1 of 1,613,952 alleles (0.000062%); highest among the groups gnomAD compares: Admixed American, 0.0017%; no homozygotes.

Submission:

Ambry Genetics
Classification: Uncertain significance for Cardiovascular phenotype. Last evaluated: 2024-12-20. Review status: criteria provided, single submitter. Criteria: Ambry Variant Classification Scheme 2023. Collection method: clinical testing. Allele origin: germline.
Comment: The p.P18R variant (also known as c.53C>G), located in coding exon 1 of the SCN10A gene, results from a C to G substitution at nucleotide position 53. The proline at codon 18 is replaced by arginine, an amino acid with dissimilar properties. This amino acid position is not conserved however, arginine is a reference amino acid in several species. In addition, the in silico prediction for this alteration is inconclusive. Since supporting evidence is limited at this time, the clinical significance of this alteration remains unclear.

NM_006514.4(SCN10A):c.53C>G (p.Pro18Arg)

Gene: SCN10A (sodium voltage-gated channel alpha subunit 10; minus strand). Cytogenetic location: 3p22.2.
Variant type: single nucleotide variant.
Coding change: c.53C>G on transcript NM_006514.4 (MANE Select); coding-DNA position 53, C replaced by G.
Protein change: p.Pro18Arg; replaces proline 18 with arginine.
Molecular consequence: missense variant.
Genome position (GRCh38, 1-based): chr3:38,793,958, G>C on the plus strand (C>G on the coding strand, the complement: SCN10A is on the minus strand). VCF-style: chr3-38793958-G-C. GRCh37 (hg19) VCF-style: chr3-38835449-G-C.
Other names: c.53C>G, p.Pro18Arg (NM_001293306.2, NM_001293307.2); short protein forms P18R.
Identifiers: ClinVar variation 1747291 (VCV001747291.3), dbSNP rs190176472, ClinGen allele CA352163378.